The following is an entry in ClinVar:

NM_005188.4(CBL):c.745C>T (p.Gln249Ter)

Gene: CBL (Cbl proto-oncogene; plus strand). Cytogenetic location: 11q23.3.
Variant type: single nucleotide variant.
Coding change: c.745C>T on transcript NM_005188.4 (MANE Select); coding-DNA position 745, C replaced by T.
Protein change: p.Gln249Ter; replaces glutamine 249 with a stop codon.
Molecular consequence: nonsense.
Genome position (GRCh38, 1-based): chr11:119,274,022, C>T. VCF-style: chr11-119274022-C-T. GRCh37 (hg19) VCF-style: chr11-119144732-C-T.
Other names: short protein forms Q249*.
Identifiers: ClinVar variation 3616048 (VCV003616048.3).
Genomic context (GRCh38, chr11:119,274,022, plus strand): 5'-GATCTGACCTGCAATGATTATATTTCGGTTTTTGAATTTGACATCTTTACCCGACTCTTT[C>T]AGGTAGGACACTAAAAAAGTTGACTAAACTGGTTACTGCTACTTCGGTGAAGAGAAAGCT-3'

ClinVar aggregate classification (germline): Uncertain significance (1 of 4 stars; one submission).

Conditions:
RASopathy. Also called: rasopathies; Noonan spectrum disorder. Identifiers: Orphanet 536391, MedGen C5555857, MONDO:0021060.

Submissions (2):

Labcorp Genetics (formerly Invitae), Labcorp
Classification: Uncertain significance for RASopathy. Last evaluated: 2024-02-18. Review status: criteria provided, single submitter. Criteria: Invitae Variant Classification Sherloc (09022015). Collection method: clinical testing. Allele origin: germline.
Comment: This sequence change creates a premature translational stop signal (p.Gln249*) in the CBL gene. It is expected to result in an absent or disrupted protein product. However, the current clinical and genetic evidence is not sufficient to establish whether loss-of-function variants in CBL cause disease. This variant is not present in population databases (gnomAD no frequency). This variant has not been reported in the literature in individuals affected with CBL-related conditions. Algorithms developed to predict the effect of sequence changes on RNA splicing suggest that this variant may disrupt the consensus splice site. In summary, the available evidence is currently insufficient to determine the role of this variant in disease. Therefore, it has been classified as a Variant of Uncertain Significance.

Dr. Peter K. Rogan Lab, Western University
No classification provided (evidence only). Condition: Melanoma. Review status: no classification provided. Collection method: in vitro. Allele origin: not applicable. Functional consequence: retained intron. Not counted in ClinVar's aggregate classification.